The following is an entry in ClinVar:

ClinVar aggregate classification (germline): Uncertain significance (1 of 4 stars; one submission).

Allele frequency attached by ClinVar (database versions not stated): gnomAD 0.00001; gnomAD exomes 0.00001; TOPMed 0.00002.
gnomAD v4.1: 9 of 1,613,858 alleles (0.00056%); highest among the groups gnomAD compares: African/African-American, 0.0053%; no homozygotes.

Submission:

Labcorp Genetics (formerly Invitae), Labcorp
Classification: Uncertain significance. Last evaluated: 2022-07-04. Review status: criteria provided, single submitter. Criteria: Invitae Variant Classification Sherloc (09022015). Collection method: clinical testing. Allele origin: germline.
Comment: This sequence change replaces valine, which is neutral and non-polar, with isoleucine, which is neutral and non-polar, at codon 2152 of the CDH23 protein (p.Val2152Ile). This variant is present in population databases (rs369493909, gnomAD 0.008%). This variant has not been reported in the literature in individuals affected with CDH23-related conditions. Algorithms developed to predict the effect of missense changes on protein structure and function output the following: SIFT: "Tolerated"; PolyPhen-2: "Not Available"; Align-GVGD: "Class C0". The isoleucine amino acid residue is found in multiple mammalian species, which suggests that this missense change does not adversely affect protein function. In summary, the available evidence is currently insufficient to determine the role of this variant in disease. Therefore, it has been classified as a Variant of Uncertain Significance.

NM_022124.6(CDH23):c.6454G>A (p.Val2152Ile)

Gene: CDH23 (cadherin related 23; plus strand). Cytogenetic location: 10q22.1.
Variant type: single nucleotide variant.
Coding change: c.6454G>A on transcript NM_022124.6 (MANE Select); coding-DNA position 6454, G replaced by A.
Protein change: p.Val2152Ile; replaces valine 2152 with isoleucine.
Molecular consequence: missense variant.
Genome position (GRCh38, 1-based): chr10:71,793,382, G>A. VCF-style: chr10-71793382-G-A. GRCh37 (hg19) VCF-style: chr10-73553139-G-A.
Other names: short protein forms V2152I.
Identifiers: ClinVar variation 2159205 (VCV002159205.1), dbSNP rs369493909, ClinGen allele CA209466190.